The following is an entry in ClinVar:

NM_001430.5(EPAS1):c.27-10C>T

Gene: EPAS1 (endothelial PAS domain protein 1; plus strand). Cytogenetic location: 2p21.
Variant type: single nucleotide variant.
Coding change: c.27-10C>T on transcript NM_001430.5 (MANE Select); 10 bases into the intron before coding-DNA position 27, C replaced by T.
Molecular consequence: intron variant.
Genome position (GRCh38, 1-based): chr2:46,346,863, C>T. VCF-style: chr2-46346863-C-T. GRCh37 (hg19) VCF-style: chr2-46574002-C-T.
Other names: p.?.
Identifiers: ClinVar variation 4684567 (VCV004684567.2).

ClinVar aggregate classification (germline): Likely benign. Review status: criteria provided, multiple submitters, no conflicts (2 of 4 stars). 2 submissions from 2 submitters: Likely benign (2). Last evaluated 2024-12-05.

gnomAD v4.1: 41 of 1,614,014 alleles (0.0025%); highest among the groups gnomAD compares: Non-Finnish European, 0.0034%; no homozygotes.

Submissions (2):

Mayo Clinic Laboratories, Mayo Clinic
Classification: Likely benign. Last evaluated: 2024-12-05. Review status: criteria provided, single submitter. Criteria: ACMG Guidelines, 2015. Collection method: clinical testing. Allele origin: germline. Observed: 1 variant allele.
Comment: BP4, BP7

Blueprint Genetics
Classification: Likely benign. Last evaluated: 2023-12-11. Review status: criteria provided, single submitter. Criteria: ACMG Guidelines, 2015. Collection method: clinical testing. Allele origin: germline.